The following is an entry in ClinVar:

NM_000057.4(BLM):c.467A>T (p.Asp156Val)

Gene: BLM (BLM RecQ like helicase; plus strand). Cytogenetic location: 15q26.1.
Variant type: single nucleotide variant.
Coding change: c.467A>T on transcript NM_000057.4 (MANE Select); coding-DNA position 467, A replaced by T.
Protein change: p.Asp156Val; replaces aspartic acid 156 with valine.
Molecular consequence: missense variant. On other transcripts: 5 prime UTR variant (1).
Genome position (GRCh38, 1-based): chr15:90,749,735, A>T. VCF-style: chr15-90749735-A-T. GRCh37 (hg19) VCF-style: chr15-91292965-A-T.
Other names: c.467A>T, p.Asp156Val (NM_001287246.2, NM_001287247.2); c.-825A>T (NM_001287248.2); short protein forms D156V.
Identifiers: ClinVar variation 1742378 (VCV001742378.2), dbSNP rs772175681, ClinGen allele CA393840849.

ClinVar aggregate classification (germline): Uncertain significance (1 of 4 stars; one submission).

Conditions:
Hereditary cancer-predisposing syndrome. Also called: Hereditary Cancer Syndrome; Hereditary neoplastic syndrome; Neoplastic Syndromes, Hereditary; Tumor predisposition. Identifiers: Orphanet 140162, MedGen C0027672, MeSH D009386, MONDO:0015356.

Submission:

Ambry Genetics
Classification: Uncertain significance for Hereditary cancer-predisposing syndrome. Last evaluated: 2022-07-04. Review status: criteria provided, single submitter. Criteria: Ambry Variant Classification Scheme 2023. Collection method: clinical testing. Allele origin: germline.
Comment: The p.D156V variant (also known as c.467A>T), located in coding exon 2 of the BLM gene, results from an A to T substitution at nucleotide position 467. The aspartic acid at codon 156 is replaced by valine, an amino acid with highly dissimilar properties. This amino acid position is conserved. In addition, this alteration is predicted to be deleterious by in silico analysis. Since supporting evidence is limited at this time, the clinical significance of this alteration remains unclear.